The following is an entry in ClinVar:

ClinVar aggregate classification (germline): Uncertain significance (1 of 4 stars; one submission).

Conditions:
Cardiovascular phenotype. Identifiers: MedGen CN230736.

Submission:

Ambry Genetics
Classification: Uncertain significance for Cardiovascular phenotype. Last evaluated: 2021-11-14. Review status: criteria provided, single submitter. Criteria: Ambry Variant Classification Scheme 2023. Collection method: clinical testing. Allele origin: germline.
Comment: The p.I343F variant (also known as c.1027A>T), located in coding exon 12 of the TECRL gene, results from an A to T substitution at nucleotide position 1027. The isoleucine at codon 343 is replaced by phenylalanine, an amino acid with highly similar properties. This amino acid position is conserved. In addition, this alteration is predicted to be tolerated by in silico analysis. Since supporting evidence is limited at this time, the clinical significance of this alteration remains unclear.

NM_001010874.5(TECRL):c.1027A>T (p.Ile343Phe)

Gene: TECRL (trans-2,3-enoyl-CoA reductase like; minus strand). Cytogenetic location: 4q13.1.
Variant type: single nucleotide variant.
Coding change: c.1027A>T on transcript NM_001010874.5 (MANE Select); coding-DNA position 1027, A replaced by T.
Protein change: p.Ile343Phe; replaces isoleucine 343 with phenylalanine.
Molecular consequence: missense variant. On other transcripts: intron variant (1).
Genome position (GRCh38, 1-based): chr4:64,280,137, T>A on the plus strand (A>T on the coding strand, the complement: TECRL is on the minus strand). VCF-style: chr4-64280137-T-A. GRCh37 (hg19) VCF-style: chr4-65145855-T-A.
Other names: c.964+904A>T (NM_001363796.1); short protein forms I343F.
Identifiers: ClinVar variation 1769860 (VCV001769860.2), dbSNP rs752713102, ClinGen allele CA357042720.
Genomic context (GRCh38, chr4:64,280,137, plus strand): 5'-ATATGAATGGAATCATTGCTGATTTTCTATGAATATATGAATTGAATTTTCTCAGATAAA[T>A]CTTATGTTTCTTTTGTGCCCACAAAGACATCTGGATACTCATCAGAAGTGTAAAAATTCC-3'
Protein context (NP_001010874.2, residues 333-353): MSLWAQKKHK[Ile343Phe]YLRKFNSYIH